The following is an entry in ClinVar:

ClinVar aggregate classification (germline): Uncertain significance. Review status: criteria provided, multiple submitters, no conflicts (2 of 4 stars). 2 submissions from 2 submitters: Uncertain significance (2). Last evaluated 2024-05-09.

Conditions:
Hereditary cancer-predisposing syndrome. Also called: Hereditary neoplastic syndrome; Tumor predisposition; Neoplastic Syndromes, Hereditary; Hereditary Cancer Syndrome. Identifiers: Orphanet 140162, MedGen C0027672, MeSH D009386, MONDO:0015356.

Submissions (2):

Ambry Genetics
Classification: Uncertain significance for Hereditary cancer-predisposing syndrome. Last evaluated: 2024-05-09. Review status: criteria provided, single submitter. Criteria: Ambry Variant Classification Scheme 2023. Collection method: clinical testing. Allele origin: germline.
Comment: The p.S66A variant (also known as c.196T>G), located in coding exon 2 of the SMARCB1 gene, results from a T to G substitution at nucleotide position 196. The serine at codon 66 is replaced by alanine, an amino acid with similar properties. This amino acid position is conserved. In addition, the in silico prediction for this alteration is inconclusive. Based on the available evidence, the clinical significance of this variant remains unclear.

Labcorp Genetics (formerly Invitae), Labcorp
Classification: Uncertain significance. Last evaluated: 2021-09-16. Review status: criteria provided, single submitter. Criteria: Invitae Variant Classification Sherloc (09022015). Collection method: clinical testing. Allele origin: germline.
Comment: Algorithms developed to predict the effect of missense changes on protein structure and function (SIFT, PolyPhen-2, Align-GVGD) all suggest that this variant is likely to be tolerated. In summary, the available evidence is currently insufficient to determine the role of this variant in disease. Therefore, it has been classified as a Variant of Uncertain Significance. This variant has not been reported in the literature in individuals affected with SMARCB1-related conditions. This variant is not present in population databases (ExAC no frequency). This sequence change replaces serine with alanine at codon 66 of the SMARCB1 protein (p.Ser66Ala). The serine residue is highly conserved and there is a moderate physicochemical difference between serine and alanine.

NM_003073.5(SMARCB1):c.196T>G (p.Ser66Ala)

Gene: SMARCB1 (SWI/SNF related BAF chromatin remodeling complex subunit B1; plus strand). Cytogenetic location: 22q11.23.
Variant type: single nucleotide variant.
Coding change: c.196T>G on transcript NM_003073.5 (MANE Select); coding-DNA position 196, T replaced by G.
Protein change: p.Ser66Ala; replaces serine 66 with alanine.
Molecular consequence: missense variant.
Genome position (GRCh38, 1-based): chr22:23,791,858, T>G. VCF-style: chr22-23791858-T-G. GRCh37 (hg19) VCF-style: chr22-24134045-T-G.
Other names: c.196T>G (LRG_520t1); c.196T>G, p.Ser66Ala (NM_001007468.3, NM_001317946.2, NM_001362877.2); short protein forms S66A.
Identifiers: ClinVar variation 656232 (VCV000656232.7), dbSNP rs1601388691, ClinGen allele CA410933015.